The following is an entry in ClinVar:

NM_032656.4(DHX37):c.790_791delinsTT (p.Ala264Phe)

Gene: DHX37 (DEAH-box helicase 37; minus strand). Cytogenetic location: 12q24.31.
Variant type: Indel.
Coding change: c.790_791delinsTT on transcript NM_032656.4 (MANE Select); coding-DNA positions 790 to 791, GC replaced by TT.
Protein change: p.Ala264Phe; replaces alanine 264 with phenylalanine.
Molecular consequence: missense variant.
Genome position (GRCh38, 1-based): chr12:124,977,438-124,977,439, GC replaced by AA on the plus strand (GC replaced by TT on the coding strand, the reverse complement: DHX37 is on the minus strand). VCF-style: chr12-124977438-GC-AA. GRCh37 (hg19) VCF-style: chr12-125461984-GC-AA.
Other names: short protein forms A264F.
Identifiers: ClinVar variation 1974544 (VCV001974544.5), dbSNP rs2547136532, ClinGen allele CA2580085959.

ClinVar aggregate classification (germline): Uncertain significance (1 of 4 stars; one submission).

Submission:

Labcorp Genetics (formerly Invitae), Labcorp
Classification: Uncertain significance. Last evaluated: 2022-09-16. Review status: criteria provided, single submitter. Criteria: Invitae Variant Classification Sherloc (09022015). Collection method: clinical testing. Allele origin: germline.
Comment: This variant has not been reported in the literature in individuals affected with DHX37-related conditions. Information on the frequency of this variant in the gnomAD database is not available, as this variant may be reported differently in the database. This sequence change replaces alanine, which is neutral and non-polar, with phenylalanine, which is neutral and non-polar, at codon 264 of the DHX37 protein (p.Ala264Phe). Algorithms developed to predict the effect of missense changes on protein structure and function are either unavailable or do not agree on the potential impact of this missense change (SIFT: "Not Available"; PolyPhen-2: "Probably Damaging"; Align-GVGD: "Not Available"). In summary, the available evidence is currently insufficient to determine the role of this variant in disease. Therefore, it has been classified as a Variant of Uncertain Significance.